The following is an entry in ClinVar:

NM_004525.3(LRP2):c.6133T>A (p.Cys2045Ser)

Gene: LRP2 (LDL receptor related protein 2; minus strand). Cytogenetic location: 2q31.1.
Variant type: single nucleotide variant.
Coding change: c.6133T>A on transcript NM_004525.3 (MANE Select); coding-DNA position 6133, T replaced by A.
Protein change: p.Cys2045Ser; replaces cysteine 2045 with serine.
Molecular consequence: missense variant.
Genome position (GRCh38, 1-based): chr2:169,212,115, A>T on the plus strand (T>A on the coding strand, the complement: LRP2 is on the minus strand). VCF-style: chr2-169212115-A-T. GRCh37 (hg19) VCF-style: chr2-170068625-A-T.
Other names: c.6133T>A (NM_004525.2); short protein forms C2045S.
Identifiers: ClinVar variation 1438790 (VCV001438790.8), dbSNP rs1688615688, ClinGen allele CA349131937.
Genomic context (GRCh38, chr2:169,212,115, plus strand): 5'-TGAAAGAGTTATATGGAGAGCAGGACCGATTATCAGGATTGAGTTTAAATCCAGTGGCAC[A>T]GGCGCAGGAAAACAATCCTCCTGGTACAGGCAGGCAAATCTGCTGACAGGCATTCATGTT-3'
Protein context (NP_004516.2, residues 2035-2055): PVPGGLFSCA[Cys2045Ser]ATGFKLNPDN

ClinVar aggregate classification (germline): Uncertain significance. Review status: criteria provided, multiple submitters, no conflicts (2 of 4 stars). 2 submissions from 2 submitters: Uncertain significance (2). Last evaluated 2022-03-12.

Conditions:
Inborn genetic diseases. Identifiers: MedGen C0950123, MeSH D030342.

Allele frequency attached by ClinVar (database versions not stated): gnomAD exomes below 0.00001; gnomAD 0.00001; TOPMed 0.00001.
gnomAD v4.1: 7 of 1,613,952 alleles (0.00043%); highest among the groups gnomAD compares: Admixed American, 0.0033%; no homozygotes.

Submissions (2):

Labcorp Genetics (formerly Invitae), Labcorp
Classification: Uncertain significance. Last evaluated: 2022-03-12. Review status: criteria provided, single submitter. Criteria: Invitae Variant Classification Sherloc (09022015). Collection method: clinical testing. Allele origin: germline.
Comment: This sequence change replaces cysteine, which is neutral and slightly polar, with serine, which is neutral and polar, at codon 2045 of the LRP2 protein (p.Cys2045Ser). This variant is not present in population databases (gnomAD no frequency). This variant has not been reported in the literature in individuals affected with LRP2-related conditions. Advanced modeling of protein sequence and biophysical properties (such as structural, functional, and spatial information, amino acid conservation, physicochemical variation, residue mobility, and thermodynamic stability) performed at Invitae indicates that this missense variant is expected to disrupt LRP2 protein function. Algorithms developed to predict the effect of sequence changes on RNA splicing suggest that this variant may create or strengthen a splice site. In summary, the available evidence is currently insufficient to determine the role of this variant in disease. Therefore, it has been classified as a Variant of Uncertain Significance.

Ambry Genetics
Classification: Uncertain significance for Inborn genetic diseases. Last evaluated: 2021-06-18. Review status: criteria provided, single submitter. Criteria: Ambry Variant Classification Scheme 2023. Collection method: clinical testing. Allele origin: germline.